The following is an entry in ClinVar:

NM_134261.3(RORA):c.788A>G (p.Glu263Gly)

Genes: RORA (RAR related orphan receptor A; minus strand), RORA-AS1 (RORA antisense RNA 1; plus strand). Cytogenetic location: 15q22.2.
Variant type: single nucleotide variant.
Coding change: c.788A>G on transcript NM_134261.3 (MANE Select); coding-DNA position 788, A replaced by G.
Protein change: p.Glu263Gly; replaces glutamic acid 263 with glycine.
Molecular consequence: missense variant.
Genome position (GRCh38, 1-based): chr15:60,511,258, T>C on the plus strand (A>G on the coding strand, the complement: RORA is on the minus strand). VCF-style: chr15-60511258-T-C. GRCh37 (hg19) VCF-style: chr15-60803457-T-C.
Other names: c.863A>G, p.Glu288Gly (NM_002943.4); c.887A>G, p.Glu296Gly (NM_134260.3); c.623A>G, p.Glu208Gly (NM_134262.3); short protein forms E208G, E263G, E288G, E296G.
Identifiers: ClinVar variation 2428808 (VCV002428808.3), dbSNP rs2542048408, ClinGen allele CA392670173.
Genomic context (GRCh38, chr15:60,511,258, plus strand): 5'-ATCCCAGGAGAAGCATGCATGCCATTACCTAATTCTGCCATGGACACAGTTGGGGAAGTC[T>C]CGCCGTTGGTGAACGAACAGTAGGGAAAGAAGCCTGATGCTGGTGTGTAGTCACATATTG-3'
Protein context (NP_599023.1, residues 253-273): FFPYCSFTNG[Glu263Gly]TSPTVSMAEL

ClinVar aggregate classification (germline): Uncertain significance (1 of 4 stars; one submission).

Allele frequency attached by ClinVar (database versions not stated): gnomAD exomes below 0.00001.
gnomAD v4.1: 2 of 1,613,950 alleles (0.00012%); highest among the groups gnomAD compares: East Asian, 0.0022%; no homozygotes.

Submission:

GeneDx
Classification: Uncertain significance. Last evaluated: 2022-08-03. Review status: criteria provided, single submitter. Criteria: GeneDx Variant Classification Process June 2021. Collection method: clinical testing. Allele origin: germline. Affected: yes.
Comment: Not observed at significant frequency in large population cohorts (gnomAD); In silico analysis supports that this missense variant has a deleterious effect on protein structure/function; Has not been previously published as pathogenic or benign to our knowledge